The following is an entry in ClinVar:

NM_000155.4(GALT):c.601C>T (p.Arg201Cys)

Gene: GALT (galactose-1-phosphate uridylyltransferase; plus strand). Cytogenetic location: 9p13.3.
Variant type: single nucleotide variant.
Coding change: c.601C>T on transcript NM_000155.4 (MANE Select); coding-DNA position 601, C replaced by T.
Protein change: p.Arg201Cys; replaces arginine 201 with cysteine.
Molecular consequence: missense variant.
Genome position (GRCh38, 1-based): chr9:34,648,370, C>T. VCF-style: chr9-34648370-C-T. GRCh37 (hg19) VCF-style: chr9-34648367-C-T.
Other names: c.274C>T, p.Arg92Cys (NM_001258332.2); c.601C>T (NM_000155.2); short protein forms R92C.
Identifiers: ClinVar variation 25226 (VCV000025226.29), dbSNP rs111033739, ClinGen allele CA259450.

ClinVar aggregate classification (germline): Pathogenic/Likely pathogenic. Review status: criteria provided, multiple submitters, no conflicts (2 of 4 stars). 8 submissions from 8 submitters: Pathogenic (4); Likely pathogenic (4). Last evaluated 2026-01-08.

Conditions:
Galactosemia. Also called: Galactose intolerance. Identifiers: Orphanet 352, MedGen C0016952, MONDO:0018116, HP:0004919. Disease mechanism: loss of function.
Deficiency of UDPglucose-hexose-1-phosphate uridylyltransferase. Also called: GALACTOSE-1-PHOSPHATE URIDYLYLTRANSFERASE DEFICIENCY; GALT deficiency; Galactosemia, classic; Transferase Deficiency Galactosemia; GALACTOSEMIA I. Identifiers: Orphanet 352, Orphanet 79239, MedGen C0268151, MONDO:0009258, OMIM 230400.

Allele frequency attached by ClinVar (database versions not stated): TOPMed below 0.00001; gnomAD 0.00001; 1000 Genomes Project 0.00020; 1000 Genomes Project 30x 0.00031; gnomAD exomes 0.00001.
gnomAD v4.1: 13 of 1,614,168 alleles (0.00081%); highest among the groups gnomAD compares: East Asian, 0.0045%; no homozygotes.

Submissions (8):

GeneDx
Classification: Likely pathogenic. Last evaluated: 2026-01-08. Review status: criteria provided, single submitter. Criteria: GeneDx Variant Classification Process June 2021. Collection method: clinical testing. Allele origin: germline.
Comment: Not observed at significant frequency in large population cohorts (gnomAD); In silico analysis supports that this missense variant has a deleterious effect on protein structure/function; This variant is associated with the following publications: (PMID: 20008339, 30172461, 20547145, 11152465, 28644047, 22461411, 35692825, 17876724)

Natera, Inc.
Classification: Likely pathogenic for Galactosemia. Last evaluated: 2025-09-10. Review status: criteria provided, single submitter. Criteria: Natera Variant Classification Schema (03/2026). Collection method: clinical testing. Allele origin: germline.
Comment: The c.601C>T variant in GALT is a missense variant predicted to cause substitution of arginine to cysteine at amino acid 201. This variant is rare in the general population with a frequency below the threshold expected for the associated phenotype(s). This variant has been observed in one or more individuals affected with the associated recessive disease, as either homozygous or compound heterozygous with a second variant (PMID: 30172461, 28644047, 17876724). A different variant at the same position has been determined to be Pathogenic or Likely Pathogenic. Computational prediction algorithms indicate this variant is likely to affect gene or protein function. Given the available evidence, this variant is classified as Likely Pathogenic.

Fulgent Genetics
Classification: Likely pathogenic for Deficiency of UDPglucose-hexose-1-phosphate uridylyltransferase. Last evaluated: 2024-03-23. Review status: criteria provided, single submitter. Criteria: ACMG Guidelines, 2015. Collection method: clinical testing. Allele origin: germline.

Baylor Genetics
Classification: Pathogenic for Deficiency of UDPglucose-hexose-1-phosphate uridylyltransferase. Last evaluated: 2023-09-23. Review status: criteria provided, single submitter. Criteria: ACMG Guidelines, 2015. Collection method: clinical testing. Allele origin: unknown.

Women's Health and Genetics/Laboratory Corporation of America, LabCorp
Classification: Likely pathogenic for Deficiency of UDPglucose-hexose-1-phosphate uridylyltransferase. Last evaluated: 2023-04-27. Review status: criteria provided, single submitter. Criteria: LabCorp Variant Classification Summary - May 2015. Collection method: clinical testing. Allele origin: germline.
Comment: Variant summary: GALT c.601C>T (p.Arg201Cys) results in a non-conservative amino acid change in the encoded protein sequence. Five of five in-silico tools predict a damaging effect of the variant on protein function. The variant allele was found at a frequency of 8e-06 in 251482 control chromosomes (gnomAD). c.601C>T has been reported in the literature in individuals affected with Galactosemia (Calderon_2007, Schulpis_2017, Yuzyuk_2018). These data indicate that the variant is likely to be associated with disease. Experimental evidence evaluating an impact on protein function demonstrated the variant affects enzyme function (Tang_2012). A different variant affecting the same amino acid residue (c.602G>A, p.Arg201His) has been classified as pathogenic by our laboratory. The following publications have been ascertained in the context of this evaluation (PMID: 17876724, 28644047, 22461411, 30172461). Four clinical diagnostic laboratories have submitted clinical-significance assessments for this variant to ClinVar after 2014 and classified the variant as pathogenic. Based on the evidence outlined above, the variant was classified as likely pathogenic.

Labcorp Genetics (formerly Invitae), Labcorp
Classification: Pathogenic for Deficiency of UDPglucose-hexose-1-phosphate uridylyltransferase. Last evaluated: 2023-03-21. Review status: criteria provided, single submitter. Criteria: Invitae Variant Classification Sherloc (09022015). Collection method: clinical testing. Allele origin: germline.
Comment: Advanced modeling of protein sequence and biophysical properties (such as structural, functional, and spatial information, amino acid conservation, physicochemical variation, residue mobility, and thermodynamic stability) performed at Invitae indicates that this missense variant is expected to disrupt GALT protein function. ClinVar contains an entry for this variant (Variation ID: 25226). This missense change has been observed in individual(s) with galactosemia (PMID: 17876724, 28644047; Invitae). In at least one individual the data is consistent with being in trans (on the opposite chromosome) from a pathogenic variant. This variant is present in population databases (rs111033739, gnomAD 0.006%). This sequence change replaces arginine, which is basic and polar, with cysteine, which is neutral and slightly polar, at codon 201 of the GALT protein (p.Arg201Cys). Experimental studies have shown that this missense change affects GALT function (PMID: 22461411). For these reasons, this variant has been classified as Pathogenic. This variant disrupts the p.Arg201 amino acid residue in GALT. Other variant(s) that disrupt this residue have been determined to be pathogenic (PMID: 11152465, 20547145; Invitae). This suggests that this residue is clinically significant, and that variants that disrupt this residue are likely to be disease-causing.

ARUP Laboratories, Molecular Genetics and Genomics, ARUP Laboratories
Classification: Pathogenic. Last evaluated: 2017-02-14. Review status: criteria provided, single submitter. Criteria: ARUP Molecular Germline Variant Investigation Process. Collection method: clinical testing. Allele origin: germline.

Eurofins Ntd Llc (ga)
Classification: Pathogenic. Last evaluated: 2017-02-09. Review status: criteria provided, single submitter. Criteria: EGL Classification Definitions 2015. Collection method: clinical testing. Allele origin: germline. Observed: 4 variant alleles, 4 heterozygotes.

Literature cited by the submitters: PubMed 30172461 (cited by Natera, Inc. and Women's Health and Genetics/Laboratory Corporation of America, LabCorp); PubMed 28644047 (cited by 3 submitters); PubMed 17876724 (cited by 4 submitters); PubMed 22461411 (cited by Women's Health and Genetics/Laboratory Corporation of America, LabCorp and Labcorp Genetics (formerly Invitae), Labcorp); PubMed 11152465 (cited by Labcorp Genetics (formerly Invitae), Labcorp); PubMed 20547145 (cited by Labcorp Genetics (formerly Invitae), Labcorp).